The following continues an entry in ClinVar:

NM_000059.4(BRCA2):c.9052_9057del (p.3015KS[2])

Gene: BRCA2. ClinVar aggregate classification (germline): Conflicting classifications of pathogenicity. Uncertain significance (12); Likely benign (2).

Submissions 10 to 15 of 15:

ARUP Laboratories, Molecular Genetics and Genomics, ARUP Laboratories
Classification: Uncertain significance. Last evaluated: 2023-04-17. Review status: criteria provided, single submitter. Criteria: ARUP Molecular Germline Variant Investigation Process 2024. Collection method: clinical testing. Allele origin: germline.
Comment: The BRCA2 c.9052_9057del; p.Lys3019_Ser3020del variant (rs786202063), also published as c.9280_9285del; p.3014_3015delSK, is reported in the literature in an individual affected with breast cancer, although its clinical significance was uncertain (de Juan Jimenez 2012). This variant is also reported in ClinVar (Variation ID: 185294). It is found on ten chromosomes (10/281852 alleles) in the Genome Aggregation Database. This variant deletes two amino acids, leaving the rest of the protein in-frame. Due to limited information, the clinical significance of the p.Lys3019_Ser3020del variant is uncertain at this time. References: de Juan Jimenez I et al. Low prevalence of BRCA1 and BRCA2 mutations in the sporadic breast cancer of Spanish population. Fam Cancer. 2012 Mar;11(1):49-56. PMID: 21918853.

Department of Pathology and Laboratory Medicine, Sinai Health System
Classification: Uncertain significance for Familial cancer of breast; Breast-ovarian cancer, familial, susceptibility to, 2. Last evaluated: 2023-03-21. Review status: criteria provided, single submitter. Criteria: ACMG Guidelines, 2015. Collection method: clinical testing. Allele origin: germline. Affected: yes.

Sema4
Classification: Uncertain significance for Hereditary cancer-predisposing syndrome. Last evaluated: 2022-02-05. Review status: criteria provided, single submitter. Criteria: Sema4 Curation Guidelines. Collection method: curation. Allele origin: germline.
Comment: The BRCA2 c.9052_9057delAGTAAA (p.K3019_S3020del) variant has been reported in at least three individuals with breast cancer (PMID: 21918853), suspected hereditary breast and/or ovarian cancer (PMID: 29061375), and pediatric osteosarcoma (PMID: 26580448). It is also described as c.9280_9285del (p.3014_3015delSK) and (p. S3018_K3019del). The variant was observed in 8/24908 chromosomes of the African/African American subpopulation in the large and broad cohorts of the Genome Aggregation Database (PMID: 32461654) and has been reported in ClinVar (Variation ID 185294). The evidence is insufficient to meet ACMG/AMP criteria for classifying the variant as benign or pathogenic. Thus, the clinical significance of this variant is currently uncertain.

Fulgent Genetics
Classification: Uncertain significance for Familial cancer of breast; Medulloblastoma; Familial prostate cancer; Wilms tumor 1; Fanconi anemia complementation group D1; Breast-ovarian cancer, familial, susceptibility to, 2; Glioma susceptibility 3; Pancreatic cancer, susceptibility to, 2. Last evaluated: 2021-10-08. Review status: criteria provided, single submitter. Criteria: ACMG Guidelines, 2015. Collection method: clinical testing. Allele origin: unknown.

Ambry Genetics
Classification: Likely benign for Hereditary cancer-predisposing syndrome. Last evaluated: 2021-09-03. Review status: criteria provided, single submitter. Criteria: Ambry Variant Classification Scheme 2023. Collection method: clinical testing. Allele origin: germline.

Counsyl
Classification: Uncertain significance for Breast-ovarian cancer, familial, susceptibility to, 2. Last evaluated: 2015-12-16. Review status: no assertion criteria provided. Collection method: clinical testing. Allele origin: unknown. Not counted in ClinVar's aggregate classification.

Literature cited by the submitters: PubMed 21918853 (cited by 6 submitters); PubMed 26580448 (cited by 5 submitters); PubMed 22505045 (cited by Women's Health and Genetics/Laboratory Corporation of America, LabCorp); PubMed 28243543 (cited by Women's Health and Genetics/Laboratory Corporation of America, LabCorp and Quest Diagnostics Nichols Institute San Juan Capistrano); PubMed 29061375 (cited by 4 submitters); PubMed 35753294 (cited by Women's Health and Genetics/Laboratory Corporation of America, LabCorp and Quest Diagnostics Nichols Institute San Juan Capistrano); PubMed 38069422 (cited by Quest Diagnostics Nichols Institute San Juan Capistrano); PubMed 37415649 (cited by Quest Diagnostics Nichols Institute San Juan Capistrano); PubMed 37216690 (cited by Quest Diagnostics Nichols Institute San Juan Capistrano); PubMed 31131967 (cited by Quest Diagnostics Nichols Institute San Juan Capistrano).